The following is an entry in ClinVar:

NM_000038.6(APC):c.1762G>A (p.Val588Ile)

Gene: APC (APC regulator of Wnt signaling pathway; plus strand). Cytogenetic location: 5q22.2.
Variant type: single nucleotide variant.
Coding change: c.1762G>A on transcript NM_000038.6 (MANE Select); coding-DNA position 1762, G replaced by A.
Protein change: p.Val588Ile; replaces valine 588 with isoleucine.
Molecular consequence: missense variant.
Genome position (GRCh38, 1-based): chr5:112,834,969, G>A. VCF-style: chr5-112834969-G-A. GRCh37 (hg19) VCF-style: chr5-112170666-G-A.
Other names: c.1762G>A, p.Val588Ile (NM_001127510.3, NM_001354895.2); c.1708G>A, p.Val570Ile (NM_001127511.3); c.1816G>A, p.Val606Ile (NM_001354896.2); c.1792G>A, p.Val598Ile (NM_001354897.2); c.1687G>A, p.Val563Ile (NM_001354898.2); c.1678G>A, p.Val560Ile (NM_001354899.2); c.1639G>A, p.Val547Ile (NM_001354900.2); c.1585G>A, p.Val529Ile (NM_001354901.2); and 5 more; short protein forms V570I, V588I, V305I, V428I, V487I, V497I, V560I, V529I.
Identifiers: ClinVar variation 469719 (VCV000469719.32), dbSNP rs372416031, ClinGen allele CA029508.

ClinVar aggregate classification (germline): Conflicting classifications of pathogenicity. Review status: criteria provided, conflicting classifications (1 of 4 stars). 13 submissions from 13 submitters: Uncertain significance (6); Benign (2); Likely benign (4). 1 of the submissions does not count toward it. Last evaluated 2026-01-25.

Conditions:
Classic or attenuated familial adenomatous polyposis. Identifiers: MedGen CN372698, MONDO:0021057.
APC-related disorder. Also called: APC-related condition.
Familial adenomatous polyposis 1 (FAP1). Also called: FAMILIAL ADENOMATOUS POLYPOSIS 1, ATTENUATED; POLYPOSIS, ADENOMATOUS INTESTINAL. Identifiers: MedGen C2713442, MONDO:0021056, OMIM 175100. Disease mechanism: loss of function.
Neoplasm of stomach. Also called: Neoplasm of the stomach; Gastric neoplasm; Stomach Neoplasms. Identifiers: MedGen C0038356, MONDO:0021085, HP:0006753. Disease mechanism: gain of function. Inheritance: Somatic mutation.
Desmoid disease, hereditary (DESMD). Also called: FIBROMATOSIS, FAMILIAL INFILTRATIVE. Identifiers: Orphanet 873, MedGen C1851124, OMIM 135290. Disease mechanism: loss of function.
Carcinoma of colon (CRC). Also called: Colon carcinoma; Colonic carcinoma. Identifiers: MedGen C0699790, MONDO:0002032.
Hepatocellular carcinoma (HCC). Also called: Primary carcinoma of liver; HEPATOMA; LIVER CELL CARCINOMA. Identifiers: Orphanet 88673, MedGen C2239176, MONDO:0007256, OMIM 114550, HP:0001402.
Hereditary cancer-predisposing syndrome. Also called: Hereditary neoplastic syndrome; Hereditary Cancer Syndrome; Tumor predisposition; Neoplastic Syndromes, Hereditary. Identifiers: Orphanet 140162, MedGen C0027672, MeSH D009386, MONDO:0015356.
Ovarian cancer. Also called: OVARIAN CANCER, SOMATIC. Identifiers: Orphanet 213500, MedGen C1140680, MONDO:0008170, OMIM 167000.

Allele frequency attached by ClinVar (database versions not stated): gnomAD 0.00005 and 0.00004; gnomAD exomes 0.00004 and 0.00001; ESP Exome Variant Server 0.00008; TOPMed 0.00003; ExAC 0.00004.
gnomAD v4.1: 29 of 1,613,822 alleles (0.0018%); highest among the groups gnomAD compares: East Asian, 0.02%; no homozygotes.

Submissions (13):

Labcorp Genetics (formerly Invitae), Labcorp
Classification: Likely benign for Familial adenomatous polyposis 1. Last evaluated: 2026-01-25. Review status: criteria provided, single submitter. Criteria: Invitae Variant Classification Sherloc (09022015). Collection method: clinical testing. Allele origin: germline.

Center for Genomic Medicine, Rigshospitalet, Copenhagen University Hospital
Classification: Likely benign. Last evaluated: 2025-03-04. Review status: criteria provided, single submitter. Criteria: ACMG Guidelines, 2015. Collection method: clinical testing. Allele origin: germline.

Myriad Genetics, Inc.
Classification: Likely benign for Familial adenomatous polyposis 1. Last evaluated: 2025-01-29. Review status: criteria provided, single submitter. Criteria: Myriad Autosomal Dominant, Autosomal Recessive and X-Linked Classification Criteria (2023). Collection method: clinical testing. Allele origin: unknown.
Comment: This variant is considered likely benign. This variant has been observed at a population frequency that is significantly greater than expected given the associated disease prevalence and penetrance.

Color Diagnostics, LLC DBA Color Health
Classification: Likely benign for Hereditary cancer-predisposing syndrome. Last evaluated: 2024-05-06. Review status: criteria provided, single submitter. Criteria: ACMG Guidelines, 2015. Collection method: clinical testing. Allele origin: germline.

Quest Diagnostics Nichols Institute San Juan Capistrano
Classification: Uncertain significance. Last evaluated: 2023-12-20. Review status: criteria provided, single submitter. Criteria: Quest Diagnostics criteria. Collection method: clinical testing. Allele origin: unknown.
Comment: The APC c.1762G>A (p.Val588Ile) variant has been reported in an individual with uterine carcinoma (PMID: 29684080 (2018)). It has also been identified as a somatic variant in endometrial hyperplasia (PMID: 32187665 (2020)), tubular adenoma (PMID: 31111538 (2019)), and Lynch syndrome (PMID: 29510987 (2018)). The frequency of this variant in the general population, 0.00042 (6/14424 chromosomes in Other East Asian subpopulation (Genome Aggregation Database)), is higher than would generally be expected for pathogenic variants in this gene. Analysis of this variant using bioinformatics tools for the prediction of the effect of amino acid changes on protein structure and function yielded predictions that this variant is benign. Based on the available information, we are unable to determine the clinical significance of this variant.

All of Us Research Program, National Institutes of Health
Classification: Uncertain significance for Classic or attenuated familial adenomatous polyposis. Last evaluated: 2023-11-30. Review status: criteria provided, single submitter. Criteria: ACMG Guidelines, 2015. Collection method: clinical testing. Allele origin: germline. Inheritance: Autosomal dominant inheritance. Observed: 3 variant alleles, 3 heterozygotes.
Comment: This missense variant replaces valine with isoleucine at codon 588 of the APC protein. Computational prediction suggests that this variant may not impact protein structure and function (internally defined REVEL score threshold <= 0.5, PMID: 27666373). To our knowledge, functional studies have not been reported for this variant. This variant has been reported in an individual affected with endometrial cancer (PMID: 29684080). This variant has been identified in 15/282600 chromosomes in the general population by the Genome Aggregation Database (gnomAD). The available evidence is insufficient to determine the role of this variant in disease conclusively. Therefore, this variant is classified as a Variant of Uncertain Significance.

This study involves interpretation of variants in research participants for the purpose of population health screening. Participant phenotype was not available at the time of variant classification. Additional details can be found in publication PMID: 35346344, PMCID: PMC8962531

PreventionGenetics, part of Exact Sciences
Classification: Uncertain significance for APC-related condition. Last evaluated: 2023-10-09. Review status: criteria provided, single submitter. Criteria: ACMG Guidelines, 2015. Collection method: clinical testing. Allele origin: germline.
Comment: The APC c.1762G>A variant is predicted to result in the amino acid substitution p.Val588Ile. This variant has been reported in an individual with breast cancer and in a control individual from a biliary tract cancer cohort study (Table S3, Guindalini et al. 2022. PubMed ID: 35264596; Table S2, Okawa et al. 2022. PubMed ID: 36243179). This variant is reported in 0.040% of alleles in individuals of East Asian descent in gnomAD. It has conflicting interpretations of benign, likely benign, and uncertain significance in ClinVar. At this time, the clinical significance of this variant is uncertain due to the absence of conclusive functional and genetic evidence.

Ambry Genetics
Classification: Benign for Hereditary cancer-predisposing syndrome. Last evaluated: 2023-03-01. Review status: criteria provided, single submitter. Criteria: Ambry Variant Classification Scheme 2023. Collection method: clinical testing. Allele origin: germline.

Laboratory of Molecular Epidemiology of Birth Defects, West China Second University Hospital, Sichuan University
Classification: Benign for Ovarian cancer. Last evaluated: 2022-01-01. Review status: criteria provided, single submitter. Criteria: ACMG Guidelines, 2015. Collection method: clinical testing. Allele origin: germline. Affected: yes.

Sema4
Classification: Uncertain significance for Hereditary cancer-predisposing syndrome. Last evaluated: 2021-10-27. Review status: criteria provided, single submitter. Criteria: Sema4 Curation Guidelines. Collection method: curation. Allele origin: germline.
Comment: The APC c.1762G>A (p.V588I) variant has been reported in at least one individual with uterine cancer (PMID: 29684080). It was observed in 8/19946 chromosomes of the East Asian subpopulation in the large and broad cohorts of the Genome Aggregation Database (PMID: 32461654). This variant has been reported in ClinVar (Variation ID 469719). Functional studies have not been performed, and in silico predictions of the variant's effect on protein function are inconclusive. The evidence is insufficient to meet ACMG/AMP criteria for classifying the variant as benign or pathogenic. Thus, the clinical significance of this variant is currently uncertain.

Fulgent Genetics
Classification: Uncertain significance for Colorectal cancer; Hepatocellular carcinoma; Desmoid disease, hereditary; Familial adenomatous polyposis 1; Gastric cancer. Last evaluated: 2018-10-31. Review status: criteria provided, single submitter. Criteria: ACMG Guidelines, 2015. Collection method: clinical testing. Allele origin: unknown.

Mendelics
Classification: Uncertain significance for Familial adenomatous polyposis 1. Last evaluated: 2018-07-02. Review status: criteria provided, single submitter. Criteria: Mendelics Assertion Criteria 2017. Collection method: clinical testing. Allele origin: unknown.

Department of Pathology and Laboratory Medicine, Sinai Health System
Classification: Uncertain significance for Carcinoma of colon. Review status: no assertion criteria provided. Collection method: clinical testing. Allele origin: unknown. Affected: yes. Observed: 1 variant allele. Study: The Canadian Open Genetics Repository (COGR). Not counted in ClinVar's aggregate classification.
Comment: The APC p.Val588Ile variant was not identified in the literature nor was it identified in the LOVD 3.0 or UMD-LSDB databases. The variant was identified in dbSNP (ID: rs372416031) as "With Uncertain significance allele" and ClinVar (classified as uncertain significance by Invitae, Ambry Genetics, Color and Mendelics Analise Genomica). The variant was not identified in the following control databases: the Exome Aggregation Consortium (August 8th 2016) or the Genome Aggregation Database (Feb 27, 2017). The p.Val588 residue is conserved in mammals and computational analyses (PolyPhen-2, SIFT, AlignGVGD, BLOSUM, MutationTaster) provide inconsistent predictions regarding the impact to the protein; this information is not very predictive of pathogenicity. The variant occurs outside of the splicing consensus sequence and in silico or computational prediction software programs (SpliceSiteFinder, MaxEntScan, NNSPLICE, GeneSplicer) do not predict a difference in splicing. In summary, based on the above information, the clinical significance of this variant cannot be determined with certainty at this time. This variant is classified as a variant of uncertain significance.

Literature cited by the submitters: PubMed 31111538 (cited by Quest Diagnostics Nichols Institute San Juan Capistrano); PubMed 32187665 (cited by Quest Diagnostics Nichols Institute San Juan Capistrano); PubMed 29510987 (cited by Quest Diagnostics Nichols Institute San Juan Capistrano); PubMed 29684080 (cited by 3 submitters); PubMed 37038467 (cited by Quest Diagnostics Nichols Institute San Juan Capistrano).